The following is an entry in ClinVar:

ClinVar aggregate classification (germline): Uncertain significance (1 of 4 stars; one submission).

Conditions:
Hereditary cancer-predisposing syndrome. Also called: Neoplastic Syndromes, Hereditary; Tumor predisposition; Hereditary Cancer Syndrome; Hereditary neoplastic syndrome. Identifiers: Orphanet 140162, MedGen C0027672, MeSH D009386, MONDO:0015356.

Submission:

Ambry Genetics
Classification: Uncertain significance for Hereditary cancer-predisposing syndrome. Last evaluated: 2025-09-20. Review status: criteria provided, single submitter. Criteria: Ambry Variant Classification Scheme 2023. Collection method: clinical testing. Allele origin: germline.
Comment: The p.S1272G variant (also known as c.3814A>G), located in coding exon 18 of the MET gene, results from an A to G substitution at nucleotide position 3814. The serine at codon 1272 is replaced by glycine, an amino acid with similar properties. This amino acid position is conserved. In addition, the in silico prediction for this alteration is inconclusive. Based on the available evidence, the clinical significance of this variant remains unclear.

NM_000245.4(MET):c.3760A>G (p.Ser1254Gly)

Gene: MET (MET proto-oncogene, receptor tyrosine kinase; plus strand). Cytogenetic location: 7q31.2.
Variant type: single nucleotide variant.
Coding change: c.3760A>G on transcript NM_000245.4 (MANE Select); coding-DNA position 3760, A replaced by G.
Protein change: p.Ser1254Gly; replaces serine 1254 with glycine.
Molecular consequence: missense variant.
Genome position (GRCh38, 1-based): chr7:116,783,431, A>G. VCF-style: chr7-116783431-A-G. GRCh37 (hg19) VCF-style: chr7-116423485-A-G.
Other names: c.3814A>G, p.Ser1272Gly (NM_001127500.3); c.2470A>G, p.Ser824Gly (NM_001324402.2); short protein forms S1272G, S824G, S1254G.
Identifiers: ClinVar variation 4647540 (VCV004647540.1).